The following is an entry in ClinVar:

ClinVar aggregate classification (germline): Uncertain significance. Review status: criteria provided, multiple submitters, no conflicts (2 of 4 stars). 3 submissions from 3 submitters: Uncertain significance (3). Last evaluated 2025-09-05.

Conditions:
Inborn genetic diseases. Identifiers: MedGen C0950123, MeSH D030342.

Allele frequency attached by ClinVar (database versions not stated): ExAC 0.00002; TOPMed 0.00002.
gnomAD v4.1: 36 of 1,613,888 alleles (0.0022%); highest among the groups gnomAD compares: Middle Eastern, 0.033%; no homozygotes.

Submissions (3):

Ambry Genetics
Classification: Uncertain significance for Inborn genetic diseases. Last evaluated: 2025-09-05. Review status: criteria provided, single submitter. Criteria: Ambry Variant Classification Scheme 2023. Collection method: clinical testing. Allele origin: germline.

Labcorp Genetics (formerly Invitae), Labcorp
Classification: Uncertain significance. Last evaluated: 2024-05-15. Review status: criteria provided, single submitter. Criteria: Invitae Variant Classification Sherloc (09022015). Collection method: clinical testing. Allele origin: germline.
Comment: This sequence change replaces proline, which is neutral and non-polar, with arginine, which is basic and polar, at codon 296 of the LEMD3 protein (p.Pro296Arg). This variant is present in population databases (rs750988811, gnomAD 0.004%). This variant has not been reported in the literature in individuals affected with LEMD3-related conditions. ClinVar contains an entry for this variant (Variation ID: 597110). Advanced modeling of protein sequence and biophysical properties (such as structural, functional, and spatial information, amino acid conservation, physicochemical variation, residue mobility, and thermodynamic stability) performed at Invitae indicates that this missense variant is not expected to disrupt LEMD3 protein function with a negative predictive value of 80%. In summary, the available evidence is currently insufficient to determine the role of this variant in disease. Therefore, it has been classified as a Variant of Uncertain Significance.

Eurofins Ntd Llc (ga)
Classification: Uncertain significance. Last evaluated: 2018-05-22. Review status: criteria provided, single submitter. Criteria: EGL ClinVar v180209 classification definitions. Collection method: clinical testing. Allele origin: germline. Observed: 1 variant allele, 1 heterozygote.

NM_014319.5(LEMD3):c.887C>G (p.Pro296Arg)

Gene: LEMD3 (LEM domain containing 3; plus strand). Cytogenetic location: 12q14.3.
Variant type: single nucleotide variant.
Coding change: c.887C>G on transcript NM_014319.5 (MANE Select); coding-DNA position 887, C replaced by G.
Protein change: p.Pro296Arg; replaces proline 296 with arginine.
Molecular consequence: missense variant.
Genome position (GRCh38, 1-based): chr12:65,170,483, C>G. VCF-style: chr12-65170483-C-G. GRCh37 (hg19) VCF-style: chr12-65564263-C-G.
Other names: c.887C>G (NM_014319.4); c.887C>G, p.Pro296Arg (NM_001167614.2); short protein forms P296R.
Identifiers: ClinVar variation 597110 (VCV000597110.11), dbSNP rs750988811, ClinGen allele CA6670791.